The following is an entry in ClinVar:

ClinVar aggregate classification (germline): Uncertain significance (0 of 4 stars; one submission).

Conditions:
PLXNA1-related disorder. Also called: PLXNA1-related condition.

gnomAD v4.1: 3 of 1,613,370 alleles (0.00019%); highest among the groups gnomAD compares: South Asian, 0.0022%; no homozygotes.

Submission:

PreventionGenetics, part of Exact Sciences
Classification: Uncertain significance for PLXNA1-related condition. Last evaluated: 2024-02-08. Review status: no assertion criteria provided. Collection method: clinical testing. Allele origin: germline.
Comment: The PLXNA1 c.463C>T variant is predicted to result in the amino acid substitution p.Arg155Cys. To our knowledge, this variant has not been reported in the literature. This variant is reported in 0.00088% of alleles in individuals of European (Non-Finnish) descent in gnomAD. At this time, the clinical significance of this variant is uncertain due to the absence of conclusive functional and genetic evidence.

NM_032242.4(PLXNA1):c.463C>T (p.Arg155Cys)

Gene: PLXNA1 (plexin A1; plus strand). Cytogenetic location: 3q21.3.
Variant type: single nucleotide variant.
Coding change: c.463C>T on transcript NM_032242.4 (MANE Select); coding-DNA position 463, C replaced by T.
Protein change: p.Arg155Cys; replaces arginine 155 with cysteine.
Molecular consequence: missense variant.
Genome position (GRCh38, 1-based): chr3:126,989,056, C>T. VCF-style: chr3-126989056-C-T. GRCh37 (hg19) VCF-style: chr3-126707899-C-T.
Other names: short protein forms R155C.
Identifiers: ClinVar variation 3349044 (VCV003349044.1).